The following is an entry in ClinVar:

ClinVar aggregate classification (germline): Uncertain significance. Review status: criteria provided, multiple submitters, no conflicts (2 of 4 stars). 2 submissions from 2 submitters: Uncertain significance (2). Last evaluated 2025-04-20.

Conditions:
Inborn genetic diseases. Identifiers: MedGen C0950123, MeSH D030342.

Allele frequency attached by ClinVar (database versions not stated): gnomAD 0.00001; gnomAD exomes 0.00001; TOPMed 0.00002.
gnomAD v4.1: 14 of 1,608,936 alleles (0.00087%); highest among the groups gnomAD compares: East Asian, 0.0045%; no homozygotes.

Submissions (2):

Ambry Genetics
Classification: Uncertain significance for Inborn genetic diseases. Last evaluated: 2025-04-20. Review status: criteria provided, single submitter. Criteria: Ambry Variant Classification Scheme 2023. Collection method: clinical testing. Allele origin: germline.

Labcorp Genetics (formerly Invitae), Labcorp
Classification: Uncertain significance. Last evaluated: 2022-07-12. Review status: criteria provided, single submitter. Criteria: Invitae Variant Classification Sherloc (09022015). Collection method: clinical testing. Allele origin: germline.
Comment: This variant has not been reported in the literature in individuals affected with FUT8-related conditions. This variant is present in population databases (no rsID available, gnomAD 0.002%). This sequence change replaces isoleucine, which is neutral and non-polar, with valine, which is neutral and non-polar, at codon 454 of the FUT8 protein (p.Ile454Val). Algorithms developed to predict the effect of missense changes on protein structure and function are either unavailable or do not agree on the potential impact of this missense change (SIFT: "Deleterious"; PolyPhen-2: "Benign"; Align-GVGD: "Class C0"). In summary, the available evidence is currently insufficient to determine the role of this variant in disease. Therefore, it has been classified as a Variant of Uncertain Significance.

NM_001371533.1(FUT8):c.1360A>G (p.Ile454Val)

Gene: FUT8 (fucosyltransferase 8; plus strand). Cytogenetic location: 14q23.3.
Variant type: single nucleotide variant.
Coding change: c.1360A>G on transcript NM_001371533.1 (MANE Select); coding-DNA position 1360, A replaced by G.
Protein change: p.Ile454Val; replaces isoleucine 454 with valine.
Molecular consequence: missense variant. On other transcripts: non-coding transcript variant (1).
Genome position (GRCh38, 1-based): chr14:65,733,331, A>G. VCF-style: chr14-65733331-A-G. GRCh37 (hg19) VCF-style: chr14-66200049-A-G.
Other names: c.1360A>G, p.Ile454Val (NM_001371534.1, NM_178155.3, NM_178156.2); c.1462A>G, p.Ile488Val (NM_001371536.1); c.871A>G, p.Ile291Val (NM_004480.4); c.1360A>G (NM_178155.2); short protein forms I291V, I488V, I454V.
Identifiers: ClinVar variation 1919288 (VCV001919288.6), dbSNP rs1043316809, ClinGen allele CA262931017.